The following is an entry in ClinVar:

ClinVar aggregate classification (germline): Uncertain significance (1 of 4 stars; one submission).

Allele frequency attached by ClinVar (database versions not stated): gnomAD exomes below 0.00001.
gnomAD v4.1: 2 of 1,613,128 alleles (0.00012%); highest among the groups gnomAD compares: Non-Finnish European, 0.00017%; no homozygotes.

Submission:

Women's Health and Genetics/Laboratory Corporation of America, LabCorp
Classification: Uncertain significance. Last evaluated: 2025-10-23. Review status: criteria provided, single submitter. Criteria: LabCorp Variant Classification Summary - May 2015. Collection method: clinical testing. Allele origin: germline.
Comment: Variant summary: GLI2 c.3241G>T (p.Gly1081Cys) results in a non-conservative amino acid change in the encoded protein sequence. Algorithms developed to predict the effect of missense changes on protein structure and function are either unavailable or do not agree on the potential impact of this missense change. The variant was absent in 248850 control chromosomes. The available data on variant occurrences in the general population are insufficient to allow any conclusion about variant significance. To our knowledge, no occurrence of c.3241G>T in individuals affected with GLI2-related conditions and no experimental evidence demonstrating its impact on protein function have been reported. ClinVar contains an entry for this variant (Variation ID: 2627248). Based on the evidence outlined above, the variant was classified as uncertain significance.

NM_001374353.1(GLI2):c.3190G>T (p.Gly1064Cys)

Gene: GLI2 (GLI family zinc finger 2; plus strand). Cytogenetic location: 2q14.2.
Variant type: single nucleotide variant.
Coding change: c.3190G>T on transcript NM_001374353.1 (MANE Select); coding-DNA position 3190, G replaced by T.
Protein change: p.Gly1064Cys; replaces glycine 1064 with cysteine.
Molecular consequence: missense variant.
Genome position (GRCh38, 1-based): chr2:120,989,155, G>T. VCF-style: chr2-120989155-G-T. GRCh37 (hg19) VCF-style: chr2-121746731-G-T.
Other names: c.3241G>T, p.Gly1081Cys (NM_001371271.1, NM_005270.5); c.2815G>T, p.Gly939Cys (NM_001374354.1); short protein forms G1064C, G1081C, G939C.
Identifiers: ClinVar variation 2627248 (VCV002627248.3), dbSNP rs2467775905, ClinGen allele CA348172923.